The following is an entry in ClinVar:

NM_001330078.2(NRXN1):c.772+102G>C

Gene: NRXN1 (neurexin 1; minus strand). Cytogenetic location: 2p16.3.
Variant type: single nucleotide variant.
Coding change: c.772+102G>C on transcript NM_001330078.2 (MANE Select); 102 bases into the intron after coding-DNA position 772, G replaced by C.
Molecular consequence: intron variant.
Genome position (GRCh38, 1-based): chr2:51,027,400, C>G on the plus strand (G>C on the coding strand, the complement: NRXN1 is on the minus strand). VCF-style: chr2-51027400-C-G. GRCh37 (hg19) VCF-style: chr2-51254538-C-G.
Other names: c.772+102G>C (NM_001330096.2, NM_001330087.2, NM_001330083.2 and 15 more transcripts).
Identifiers: ClinVar variation 674918 (VCV000674918.2), dbSNP rs13426386, ClinGen allele CA16097768.
Genomic context (GRCh38, chr2:51,027,400, plus strand): 5'-GGAGGTGGTAAGGTAGAGAGTCCCCCAGAAACAAGGTCCTTCCCTCGAAGCGAACTGCCA[C>G]ACGTTTGCCAAGATTAGGAAGACCCCATGCACCAGCCCGGTCCCCTCCTCCCCGAGCCCC-3'

ClinVar aggregate classification (germline): Benign. Review status: criteria provided, multiple submitters, no conflicts (2 of 4 stars). 2 submissions from 2 submitters: Benign (2). Last evaluated 2018-06-19.

Allele frequency attached by ClinVar (database versions not stated): gnomAD 0.17943 and 0.18380; TOPMed 0.19174; 1000 Genomes Project 0.21546; 1000 Genomes Project 30x 0.22299.
gnomAD v4.1: 119,538 of 1,234,126 alleles (9.7%); highest among the groups gnomAD compares: African/African-American, 43%; 10,293 homozygotes.

Submissions (2):

GeneDx
Classification: Benign. Last evaluated: 2018-06-19. Review status: criteria provided, single submitter. Criteria: GeneDx Variant Classification (06012015). Collection method: clinical testing. Allele origin: germline. Affected: yes.
Comment: This variant is considered likely benign or benign based on one or more of the following criteria: it is a conservative change, it occurs at a poorly conserved position in the protein, it is predicted to be benign by multiple in silico algorithms, and/or has population frequency not consistent with disease.

Breakthrough Genomics
Classification: Benign. Review status: criteria provided, single submitter. Criteria: ACMG Guidelines, 2015. Collection method: not provided. Allele origin: germline. Inheritance: Autosomal recessive inheritance. Affected: yes.